The following is an entry in ClinVar:

ClinVar aggregate classification (germline): Likely benign. Review status: criteria provided, single submitter (1 of 4 stars). 2 submissions from 2 submitters: Likely benign (1). 1 of the submissions does not count toward it. Last evaluated 2024-11-28.

Conditions:
ARR3-related disorder. Also called: ARR3-related condition.

Allele frequency attached by ClinVar (database versions not stated): gnomAD exomes 0.07721; ESP Exome Variant Server 0.07981; gnomAD 0.09286; TOPMed 0.10314; ExAC 0.12945; 1000 Genomes Project 30x 0.18293; 1000 Genomes Project 0.18887.
gnomAD v4.1: 95,738 of 1,203,359 alleles (8%); highest among the groups gnomAD compares: East Asian, 35%; 4,057 homozygotes.

Submissions (2):

Blueprint Genetics
Classification: Likely benign. Last evaluated: 2024-11-28. Review status: criteria provided, single submitter. Criteria: ACMG Guidelines, 2015. Collection method: clinical testing. Allele origin: germline.

PreventionGenetics, part of Exact Sciences
Classification: Benign for ARR3-related condition. Last evaluated: 2019-12-09. Review status: no assertion criteria provided. Collection method: clinical testing. Allele origin: germline. Not counted in ClinVar's aggregate classification.
Comment: This variant is classified as benign based on ACMG/AMP sequence variant interpretation guidelines (Richards et al. 2015 PMID: 25741868, with internal and published modifications).

NM_004312.3(ARR3):c.27C>T (p.Ser9=)

Gene: ARR3 (arrestin 3; plus strand). Cytogenetic location: Xq13.1.
Variant type: single nucleotide variant.
Coding change: c.27C>T on transcript NM_004312.3 (MANE Select); coding-DNA position 27, C replaced by T.
Protein change: p.Ser9=; no amino-acid change (serine 9 retained).
Molecular consequence: synonymous variant.
Genome position (GRCh38, 1-based): chrX:70,269,680, C>T. VCF-style: chrX-70269680-C-T. GRCh37 (hg19) VCF-style: chrX-69489530-C-T.
Identifiers: ClinVar variation 3056529 (VCV003056529.3), dbSNP rs3818862, ClinGen allele CA10440274.